The following is an entry in ClinVar:

NM_000257.4(MYH7):c.5676C>T (p.Asn1892=)

Gene: MYH7 (myosin heavy chain 7; minus strand). Cytogenetic location: 14q11.2.
Variant type: single nucleotide variant.
Coding change: c.5676C>T on transcript NM_000257.4 (MANE Select); coding-DNA position 5676, C replaced by T.
Protein change: p.Asn1892=; no amino-acid change (asparagine 1892 retained).
Molecular consequence: synonymous variant.
Genome position (GRCh38, 1-based): chr14:23,413,873, G>A on the plus strand (C>T on the coding strand, the complement: MYH7 is on the minus strand). VCF-style: chr14-23413873-G-A. GRCh37 (hg19) VCF-style: chr14-23883082-G-A.
Identifiers: ClinVar variation 698973 (VCV000698973.15), dbSNP rs1595070496, ClinGen allele CA485616157.

ClinVar aggregate classification (germline): Likely benign. Review status: criteria provided, multiple submitters, no conflicts (2 of 4 stars). 4 submissions from 4 submitters: Likely benign (4). Last evaluated 2023-12-18.

Conditions:
Hypertrophic cardiomyopathy. Also called: HYPERTROPHIC MYOCARDIOPATHY. Identifiers: Orphanet 217569, MedGen C0007194, MeSH D002312, MONDO:0005045, HP:0001639.
Cardiovascular phenotype. Identifiers: MedGen CN230736.
Cardiomyopathy (CMYO). Also called: Cardiomyopathies. Identifiers: Orphanet 167848, MedGen C0878544, MONDO:0004994, HP:0001638. Inheritance: Various modes of inheritance.

Allele frequency attached by ClinVar (database versions not stated): gnomAD exomes below 0.00001.
gnomAD v4.1: 4 of 1,614,274 alleles (0.00025%); highest among the groups gnomAD compares: South Asian, 0.0011%; no homozygotes.

Submissions (4):

All of Us Research Program, National Institutes of Health
Classification: Likely benign for Cardiomyopathy. Last evaluated: 2023-12-18. Review status: criteria provided, single submitter. Criteria: ACMG Guidelines, 2015. Collection method: clinical testing. Allele origin: germline. Inheritance: Autosomal dominant inheritance. Observed: 2 variant alleles, 2 heterozygotes.
Comment: This study involves interpretation of variants in research participants for the purpose of population health screening. Participant phenotype was not available at the time of variant classification. Additional details can be found in publication PMID: 35346344, PMCID: PMC8962531

Labcorp Genetics (formerly Invitae), Labcorp
Classification: Likely benign for Hypertrophic cardiomyopathy. Last evaluated: 2023-06-02. Review status: criteria provided, single submitter. Criteria: Invitae Variant Classification Sherloc (09022015). Collection method: clinical testing. Allele origin: germline.

Ambry Genetics
Classification: Likely benign for Cardiovascular phenotype. Last evaluated: 2021-09-22. Review status: criteria provided, single submitter. Criteria: Ambry Variant Classification Scheme 2023. Collection method: clinical testing. Allele origin: germline.

Color Diagnostics, LLC DBA Color Health
Classification: Likely benign for Cardiomyopathy. Last evaluated: 2019-11-24. Review status: criteria provided, single submitter. Criteria: ACMG Guidelines, 2015. Collection method: clinical testing. Allele origin: germline.